The following is an entry in ClinVar:

NM_138420.4(AHNAK2):c.5247G>C (p.Leu1749Phe)

Gene: AHNAK2 (AHNAK nucleoprotein 2; minus strand). Cytogenetic location: 14q32.33.
Variant type: single nucleotide variant.
Coding change: c.5247G>C on transcript NM_138420.4 (MANE Select); coding-DNA position 5247, G replaced by C.
Protein change: p.Leu1749Phe; replaces leucine 1749 with phenylalanine.
Molecular consequence: missense variant.
Genome position (GRCh38, 1-based): chr14:104,950,204, C>G on the plus strand (G>C on the coding strand, the complement: AHNAK2 is on the minus strand). VCF-style: chr14-104950204-C-G. GRCh37 (hg19) VCF-style: chr14-105416541-C-G.
Other names: c.4947G>C, p.Leu1649Phe (NM_001350929.2); short protein forms L1649F, L1749F.
Identifiers: ClinVar variation 3239081 (VCV003239081.19), dbSNP rs201377031.
Genomic context (GRCh38, chr14:104,950,204, plus strand): 5'-GTCCAGCTTGGGGCCCTTGACGTCCATCTGGGGGCCCTTGAGGGCCACTTTGGGCATCTT[C>G]AAACTGGGCATCTGCACCTTGGGGAGGTGCCCTTTGAAGCCGGCTCCCTCGGGAAGGGGG-3'
Protein context (NP_612429.2, residues 1739-1759): GHLPKVQMPS[Leu1749Phe]KMPKVALKGP

ClinVar aggregate classification (germline): Likely benign (1 of 4 stars; one submission).

Allele frequency attached by ClinVar (database versions not stated): gnomAD exomes 0.00080; ESP Exome Variant Server 0.00103; gnomAD 0.00129; ExAC 0.00250; 1000 Genomes Project 30x 0.00562.
gnomAD v4.1: 1,358 of 1,576,356 alleles (0.086%); highest among the groups gnomAD compares: South Asian, 0.7%; 137 homozygotes.

Submission:

CeGaT Center for Human Genetics Tuebingen
Classification: Likely benign. Last evaluated: 2024-05-01. Review status: criteria provided, single submitter. Criteria: CeGaT Center For Human Genetics Tuebingen Variant Classification Criteria Version 2. Collection method: clinical testing. Allele origin: germline. Affected: yes. Observed: 1 variant allele.
Comment: AHNAK2: BP4, BS2